The following is an entry in ClinVar:

NM_001377.3(DYNC2H1):c.10805G>A (p.Arg3602Gln)

Gene: DYNC2H1 (dynein cytoplasmic 2 heavy chain 1; plus strand). Cytogenetic location: 11q22.3.
Variant type: single nucleotide variant.
Coding change: c.10805G>A on transcript NM_001377.3 (MANE Select); coding-DNA position 10805, G replaced by A.
Protein change: p.Arg3602Gln; replaces arginine 3602 with glutamine.
Molecular consequence: missense variant.
Genome position (GRCh38, 1-based): chr11:103,282,222, G>A. VCF-style: chr11-103282222-G-A. GRCh37 (hg19) VCF-style: chr11-103152951-G-A.
Other names: c.10826G>A, p.Arg3609Gln (NM_001080463.2); short protein forms R3602Q, R3609Q.
Identifiers: ClinVar variation 1315918 (VCV001315918.5), dbSNP rs1263873884, ClinGen allele CA382256435.
Genomic context (GRCh38, chr11:103,282,222, plus strand): 5'-ATATTTTTATTCAATAGGAATGGGATACGTTTACAGGTGTGGTTGTTGGAGACATGTTAC[G>A]GAAAGCTGTAAGTTAAAATAACAAAATCTATTTTGCTCTTAAAGAAAATATTTCTGGCTT-3'
Protein context (NP_001368.2, residues 3592-3612): FTGVVVGDML[Arg3602Gln]KADSQQKIRD

ClinVar aggregate classification (germline): Uncertain significance. Review status: criteria provided, multiple submitters, no conflicts (2 of 4 stars). 3 submissions from 3 submitters: Uncertain significance (3). Last evaluated 2025-12-11.

Conditions:
Jeune thoracic dystrophy. Also called: Jeune syndrome; Infantile thoracic dystrophy; Thoracic pelvic phalangeal dystrophy; Jeune's syndrome; Chondroectodermal dysplasia-like syndrome; Short-rib thoracic dysplasia. Identifiers: Orphanet 474, MedGen C0265275, MONDO:0018770.
Inborn genetic diseases. Identifiers: MedGen C0950123, MeSH D030342.

Allele frequency attached by ClinVar (database versions not stated): TOPMed below 0.00001; gnomAD exomes 0.00001 and 0.00002.
gnomAD v4.1: 10 of 1,607,554 alleles (0.00062%); highest among the groups gnomAD compares: East Asian, 0.0022%; no homozygotes.

Submissions (3):

Ambry Genetics
Classification: Uncertain significance for Inborn genetic diseases. Last evaluated: 2025-12-11. Review status: criteria provided, single submitter. Criteria: Ambry Variant Classification Scheme 2023. Collection method: clinical testing. Allele origin: germline.

Labcorp Genetics (formerly Invitae), Labcorp
Classification: Uncertain significance for Jeune thoracic dystrophy. Last evaluated: 2024-09-30. Review status: criteria provided, single submitter. Criteria: Invitae Variant Classification Sherloc (09022015). Collection method: clinical testing. Allele origin: germline.
Comment: This sequence change replaces arginine, which is basic and polar, with glutamine, which is neutral and polar, at codon 3609 of the DYNC2H1 protein (p.Arg3609Gln). This variant is present in population databases (no rsID available, gnomAD 0.01%). This variant has not been reported in the literature in individuals affected with DYNC2H1-related conditions. ClinVar contains an entry for this variant (Variation ID: 1315918). Invitae Evidence Modeling of protein sequence and biophysical properties (such as structural, functional, and spatial information, amino acid conservation, physicochemical variation, residue mobility, and thermodynamic stability) indicates that this missense variant is not expected to disrupt DYNC2H1 protein function with a negative predictive value of 95%. In summary, the available evidence is currently insufficient to determine the role of this variant in disease. Therefore, it has been classified as a Variant of Uncertain Significance.

GeneDx
Classification: Uncertain significance. Last evaluated: 2021-12-30. Review status: criteria provided, single submitter. Criteria: GeneDx Variant Classification Process June 2021. Collection method: clinical testing. Allele origin: germline. Affected: yes.
Comment: In silico analysis, which includes protein predictors and evolutionary conservation, supports that this variant does not alter protein structure/function; Has not been previously published as pathogenic or benign to our knowledge